The following is an entry in ClinVar:

ClinVar aggregate classification (germline): Uncertain significance (1 of 4 stars; one submission).

Allele frequency attached by ClinVar (database versions not stated): gnomAD exomes below 0.00001; TOPMed below 0.00001; gnomAD 0.00001.
gnomAD v4.1: 2 of 1,614,016 alleles (0.00012%); highest among the groups gnomAD compares: Non-Finnish European, 0.00017%; no homozygotes.

Submission:

Labcorp Genetics (formerly Invitae), Labcorp
Classification: Uncertain significance. Last evaluated: 2023-12-15. Review status: criteria provided, single submitter. Criteria: Invitae Variant Classification Sherloc (09022015). Collection method: clinical testing. Allele origin: germline.
Comment: This sequence change replaces alanine, which is neutral and non-polar, with valine, which is neutral and non-polar, at codon 1053 of the SRCAP protein (p.Ala1053Val). This variant is not present in population databases (gnomAD no frequency). This variant has not been reported in the literature in individuals affected with SRCAP-related conditions. Advanced modeling of protein sequence and biophysical properties (such as structural, functional, and spatial information, amino acid conservation, physicochemical variation, residue mobility, and thermodynamic stability) performed at Invitae indicates that this missense variant is not expected to disrupt SRCAP protein function with a negative predictive value of 80%. In summary, the available evidence is currently insufficient to determine the role of this variant in disease. Therefore, it has been classified as a Variant of Uncertain Significance.

NM_006662.3(SRCAP):c.3158C>T (p.Ala1053Val)

Gene: SRCAP (Snf2 related CREBBP activator protein; plus strand). Cytogenetic location: 16p11.2.
Variant type: single nucleotide variant.
Coding change: c.3158C>T on transcript NM_006662.3 (MANE Select); coding-DNA position 3158, C replaced by T.
Protein change: p.Ala1053Val; replaces alanine 1053 with valine.
Molecular consequence: missense variant.
Genome position (GRCh38, 1-based): chr16:30,720,883, C>T. VCF-style: chr16-30720883-C-T. GRCh37 (hg19) VCF-style: chr16-30732204-C-T.
Other names: short protein forms A1053V.
Identifiers: ClinVar variation 2868657 (VCV002868657.3), dbSNP rs1464031204, ClinGen allele CA395613439.
Genomic context (GRCh38, chr16:30,720,883, plus strand): 5'-CAGCCCAGCCCACCCCTGGCCCAGTCCCCCAAGTGCTGCCAGCATCACTGATGGTTTCAG[C>T]CTCACCTGCCGGGCCCCCGCTTATTCCTGCATCTCGGCCTCCTGGCCCTGTCCTCTTGCC-3'
Protein context (NP_006653.2, residues 1043-1063): QVLPASLMVS[Ala1053Val]SPAGPPLIPA